The following is an entry in ClinVar:

ClinVar aggregate classification (germline): Uncertain significance (1 of 4 stars; one submission).

Conditions:
MUC1-related disorder. Also called: MUC1-related condition.

Allele frequency attached by ClinVar (database versions not stated): gnomAD exomes below 0.00001.

Submission:

PreventionGenetics, part of Exact Sciences
Classification: Uncertain significance for MUC1-related condition. Last evaluated: 2023-08-18. Review status: criteria provided, single submitter. Criteria: ACMG Guidelines, 2015. Collection method: clinical testing. Allele origin: germline.
Comment: The MUC1 c.367C>G variant is predicted to result in the amino acid substitution p.Leu123Val. To our knowledge, this variant has not been reported in the literature or in a large population database, indicating this variant is rare. At this time, the clinical significance of this variant is uncertain due to the absence of conclusive functional and genetic evidence.

NM_002456.6(MUC1):c.367C>G (p.Leu123Val)

Gene: MUC1 (mucin 1, cell surface associated; minus strand). Cytogenetic location: 1q22.
Variant type: single nucleotide variant.
Coding change: c.367C>G on transcript NM_002456.6; coding-DNA position 367, C replaced by G.
Protein change: p.Leu123Val; replaces leucine 123 with valine.
Molecular consequence: missense variant. On other transcripts: intron variant (7).
Genome position (GRCh38, 1-based): chr1:155,187,830, G>C on the plus strand (C>G on the coding strand, the complement: MUC1 is on the minus strand). VCF-style: chr1-155187830-G-C. GRCh37 (hg19) VCF-style: chr1-155160306-G-C.
Other names: c.340C>G, p.Leu114Val (NM_001018016.3, NM_001204288.2); c.313C>G, p.Leu105Val (NM_001018017.3); c.973C>G, p.Leu325Val (NM_001204285.2); c.1000C>G, p.Leu334Val (NM_001204286.1); c.394C>G, p.Leu132Val (NM_001204287.2); c.262C>G, p.Leu88Val (NM_001204289.2); c.199C>G, p.Leu67Val (NM_001204290.2); c.271C>G, p.Leu91Val (NM_001204291.1); and 10 more; short protein forms L105V, L1080V, L114V, L123V, L132V, L325V, L334V, L67V.
Identifiers: ClinVar variation 2635023 (VCV002635023.1), dbSNP rs2526967337, ClinGen allele CA342733602.
Genomic context (GRCh38, chr1:155,187,830, plus strand): 5'-TATACTGATTGAACTGTGTCTCCACGTCGTGGACATTGATGGTACCTTCTCGGAAGGCCA[G>C]AGTCAATTGTACCACCACAGATCCTGGCCTGGTCACAGGGAAATGGGCACTTCAGCCACG-3'